The following is an entry in ClinVar:

NM_001165963.4(SCN1A):c.4780T>C (p.Ser1594Pro)

Genes: SCN1A (sodium voltage-gated channel alpha subunit 1; minus strand), LOC102724058 (uncharacterized LOC102724058; plus strand). Cytogenetic location: 2q24.3.
Variant type: single nucleotide variant.
Coding change: c.4780T>C on transcript NM_001165963.4 (MANE Select); coding-DNA position 4780, T replaced by C.
Protein change: p.Ser1594Pro; replaces serine 1594 with proline.
Molecular consequence: missense variant. On other transcripts: non-coding transcript variant (1).
Genome position (GRCh38, 1-based): chr2:165,994,218, A>G on the plus strand (T>C on the coding strand, the complement: SCN1A is on the minus strand). VCF-style: chr2-165994218-A-G. GRCh37 (hg19) VCF-style: chr2-166850728-A-G.
Other names: c.4696T>C, p.Ser1566Pro (NM_001165964.3, NM_001353957.2, NM_001353958.2); c.4780T>C, p.Ser1594Pro (NM_001202435.3, NM_001353948.2); c.4747T>C, p.Ser1583Pro (NM_001353949.2, NM_001353950.2, NM_001353951.2 and 2 more transcripts); c.4744T>C, p.Ser1582Pro (NM_001353954.2, NM_001353955.2); c.4693T>C, p.Ser1565Pro (NM_001353960.2); c.2338T>C, p.Ser780Pro (NM_001353961.2); short protein forms S1565P, S1582P, S1566P, S1594P, S780P, S1583P.
Identifiers: ClinVar variation 1512562 (VCV001512562.7), dbSNP rs2105447944, ClinGen allele CA349071550.
Genomic context (GRCh38, chr2:165,994,218, plus strand): 5'-GAATGACAACCACAAAATCAAAAATATTCCATCCAATGGTAAAATAATAATGGCGTAGAG[A>G]GATGAGTTTCAGTACACACTCTCCAGTAAATAGCACAATGAACACCAGATTGATGCGTGA-3'
Protein context (NP_001159435.1, residues 1584-1604): FTGECVLKLI[Ser1594Pro]LRHYYFTIGW

ClinVar aggregate classification (germline): Likely pathogenic (1 of 4 stars; one submission).

Conditions:
Early-infantile DEE. Also called: Early infantile epileptic encephalopathy; Early infantile epileptic encephalopathy with suppression bursts; Ohtahara syndrome. Identifiers: Orphanet 1934, MedGen C0393706, MONDO:0800491.

Submission:

Labcorp Genetics (formerly Invitae), Labcorp
Classification: Likely pathogenic for Early-infantile DEE. Last evaluated: 2021-08-13. Review status: criteria provided, single submitter. Criteria: Invitae Variant Classification Sherloc (09022015). Collection method: clinical testing. Allele origin: germline.
Comment: In summary, the currently available evidence indicates that the variant is pathogenic, but additional data are needed to prove that conclusively. Therefore, this variant has been classified as Likely Pathogenic. Advanced modeling of protein sequence and biophysical properties (such as structural, functional, and spatial information, amino acid conservation, physicochemical variation, residue mobility, and thermodynamic stability) performed at Invitae indicates that this missense variant is expected to disrupt SCN1A protein function. This missense change has been observed in individual(s) with clinical features of SCN1A-related conditions (Invitae). It has also been observed to segregate with disease in related individuals. This variant is not present in population databases (ExAC no frequency). This sequence change replaces serine with proline at codon 1594 of the SCN1A protein (p.Ser1594Pro). The serine residue is highly conserved and there is a moderate physicochemical difference between serine and proline.